The following is an entry in ClinVar:

ClinVar aggregate classification (germline): Uncertain significance (1 of 4 stars; one submission).

Conditions:
Charcot-Marie-Tooth disease axonal type 2O. Also called: CHARCOT-MARIE-TOOTH NEUROPATHY, AXONAL, TYPE 2O; CHARCOT-MARIE-TOOTH DISEASE, AXONAL, AUTOSOMAL DOMINANT, TYPE 2O; Charcot-Marie-Tooth disease, axonal, type 20; Charcot-Marie-Tooth Neuropathy Type 2O. Identifiers: Orphanet 284232, MedGen C3280220, MONDO:0013644, OMIM 614228.

Submission:

Labcorp Genetics (formerly Invitae), Labcorp
Classification: Uncertain significance for Charcot-Marie-Tooth disease axonal type 2O. Last evaluated: 2024-04-10. Review status: criteria provided, single submitter. Criteria: Invitae Variant Classification Sherloc (09022015). Collection method: clinical testing. Allele origin: germline.
Comment: This sequence change replaces glutamic acid, which is acidic and polar, with glycine, which is neutral and non-polar, at codon 2116 of the DYNC1H1 protein (p.Glu2116Gly). This variant is not present in population databases (gnomAD no frequency). This variant has not been reported in the literature in individuals affected with DYNC1H1-related conditions. ClinVar contains an entry for this variant (Variation ID: 2123961). Advanced modeling of protein sequence and biophysical properties (such as structural, functional, and spatial information, amino acid conservation, physicochemical variation, residue mobility, and thermodynamic stability) performed at Invitae indicates that this missense variant is not expected to disrupt DYNC1H1 protein function with a negative predictive value of 95%. In summary, the available evidence is currently insufficient to determine the role of this variant in disease. Therefore, it has been classified as a Variant of Uncertain Significance.

NM_001376.5(DYNC1H1):c.6347A>G (p.Glu2116Gly)

Gene: DYNC1H1 (dynein cytoplasmic 1 heavy chain 1; plus strand). Cytogenetic location: 14q32.31.
Variant type: single nucleotide variant.
Coding change: c.6347A>G on transcript NM_001376.5 (MANE Select); coding-DNA position 6347, A replaced by G.
Protein change: p.Glu2116Gly; replaces glutamic acid 2116 with glycine.
Molecular consequence: missense variant.
Genome position (GRCh38, 1-based): chr14:102,010,401, A>G. VCF-style: chr14-102010401-A-G. GRCh37 (hg19) VCF-style: chr14-102476738-A-G.
Other names: short protein forms E2116G.
Identifiers: ClinVar variation 2123961 (VCV002123961.4), dbSNP rs2503752076, ClinGen allele CA391054773.